The following is an entry in ClinVar:

NM_000038.6(APC):c.4602G>A (p.Gly1534=)

Gene: APC (APC regulator of Wnt signaling pathway; plus strand). Cytogenetic location: 5q22.2.
Variant type: single nucleotide variant.
Coding change: c.4602G>A on transcript NM_000038.6 (MANE Select); coding-DNA position 4602, G replaced by A.
Protein change: p.Gly1534=; no amino-acid change (glycine 1534 retained).
Molecular consequence: synonymous variant. On other transcripts: non-coding transcript variant (2).
Genome position (GRCh38, 1-based): chr5:112,840,196, G>A. VCF-style: chr5-112840196-G-A. GRCh37 (hg19) VCF-style: chr5-112175893-G-A.
Other names: c.4602G>A (NM_000038.5); c.4602G>A, p.Gly1534= (NM_001127510.3, NM_001354895.2, NM_001407450.1); c.4548G>A, p.Gly1516= (NM_001127511.3); c.4656G>A, p.Gly1552= (NM_001354896.2, NM_001407447.1, NM_001407448.1 and 1 more transcripts); c.4632G>A, p.Gly1544= (NM_001354897.2); c.4527G>A, p.Gly1509= (NM_001354898.2); c.4518G>A, p.Gly1506= (NM_001354899.2); c.4479G>A, p.Gly1493= (NM_001354900.2); and 12 more.
Identifiers: ClinVar variation 3148221 (VCV003148221.2), dbSNP rs2149918726, ClinGen allele CA446206615.

ClinVar aggregate classification (germline): Benign/Likely benign. Review status: criteria provided, multiple submitters, no conflicts (2 of 4 stars). 2 submissions from 2 submitters: Benign (1); Likely benign (1). Last evaluated 2026-07-14.

Conditions:
Familial adenomatous polyposis 1 (FAP1). Also called: FAMILIAL ADENOMATOUS POLYPOSIS 1, ATTENUATED; POLYPOSIS, ADENOMATOUS INTESTINAL. Identifiers: MedGen C2713442, MONDO:0021056, OMIM 175100. Disease mechanism: loss of function.
Hereditary cancer-predisposing syndrome. Also called: Tumor predisposition; Hereditary Cancer Syndrome; Neoplastic Syndromes, Hereditary; Hereditary neoplastic syndrome. Identifiers: Orphanet 140162, MedGen C0027672, MeSH D009386, MONDO:0015356.

Submissions (2):

Ambry Genetics
Classification: Likely benign for Hereditary cancer-predisposing syndrome. Last evaluated: 2026-07-14. Review status: criteria provided, single submitter. Criteria: Ambry Variant Classification Scheme 2023. Collection method: clinical testing. Allele origin: germline.

Myriad Genetics, Inc.
Classification: Benign for Familial adenomatous polyposis 1. Last evaluated: 2024-03-27. Review status: criteria provided, single submitter. Criteria: Myriad Autosomal Dominant, Autosomal Recessive and X-Linked Classification Criteria (2023). Collection method: clinical testing. Allele origin: unknown.
Comment: This variant is considered benign. This variant is a silent/synonymous amino acid change and it is not expected to impact splicing.